The following is an entry in ClinVar:

NM_024675.4(PALB2):c.223A>T (p.Lys75Ter)

Gene: PALB2 (partner and localizer of BRCA2; minus strand). Cytogenetic location: 16p12.2.
Variant type: single nucleotide variant.
Coding change: c.223A>T on transcript NM_024675.4 (MANE Select); coding-DNA position 223, A replaced by T.
Protein change: p.Lys75Ter; replaces lysine 75 with a stop codon.
Molecular consequence: nonsense.
Genome position (GRCh38, 1-based): chr16:23,636,323, T>A on the plus strand (A>T on the coding strand, the complement: PALB2 is on the minus strand). VCF-style: chr16-23636323-T-A. GRCh37 (hg19) VCF-style: chr16-23647644-T-A.
Other names: short protein forms K75*.
Identifiers: ClinVar variation 460933 (VCV000460933.62), dbSNP rs1555461875, ClinGen allele CA395138968.

ClinVar aggregate classification (germline): Pathogenic/Likely pathogenic. Review status: criteria provided, multiple submitters, no conflicts (2 of 4 stars). 9 submissions from 9 submitters: Pathogenic (7); Likely pathogenic (1). 1 of the submissions does not count toward it. Last evaluated 2025-11-28.

Conditions:
Hereditary cancer-predisposing syndrome. Also called: Hereditary neoplastic syndrome; Neoplastic Syndromes, Hereditary; Hereditary Cancer Syndrome; Tumor predisposition. Identifiers: Orphanet 140162, MedGen C0027672, MeSH D009386, MONDO:0015356.
Breast-ovarian cancer, familial, susceptibility to, 5 (BROVCA5). Identifiers: MedGen C5830615, MONDO:0957530, OMIM 620442.
Familial cancer of breast. Also called: hereditary breast carcinoma; Hereditary breast cancer; BREAST CANCER, FAMILIAL. Identifiers: Orphanet 227535, MedGen C0346153, MONDO:0016419, OMIM 114480. Disease mechanism: loss of function.

Submissions (9):

Labcorp Genetics (formerly Invitae), Labcorp
Classification: Pathogenic for Familial cancer of breast. Last evaluated: 2025-11-28. Review status: criteria provided, single submitter. Criteria: Invitae Variant Classification Sherloc (09022015). Collection method: clinical testing. Allele origin: germline.
Comment: This sequence change creates a premature translational stop signal (p.Lys75*) in the PALB2 gene. It is expected to result in an absent or disrupted protein product. Loss-of-function variants in PALB2 are known to be pathogenic (PMID: 17200668, 17200671, 17200672, 24136930, 25099575). This variant is not present in population databases (gnomAD no frequency). This variant has not been reported in the literature in individuals affected with PALB2-related conditions. ClinVar contains an entry for this variant (Variation ID: 460933). For these reasons, this variant has been classified as Pathogenic.

CeGaT Center for Human Genetics Tuebingen
Classification: Pathogenic. Last evaluated: 2025-11-01. Review status: criteria provided, single submitter. Criteria: CeGaT Center For Human Genetics Tuebingen Variant Classification Criteria Version 2. Collection method: clinical testing. Allele origin: germline. Affected: yes. Observed: 2 variant alleles.
Comment: PALB2: PVS1, PM2

Ambry Genetics
Classification: Pathogenic for Hereditary cancer-predisposing syndrome. Last evaluated: 2025-04-14. Review status: criteria provided, single submitter. Criteria: Ambry Variant Classification Scheme 2023. Collection method: clinical testing. Allele origin: germline.
Comment: The p.K75* pathogenic mutation (also known as c.223A>T), located in coding exon 4 of the PALB2 gene, results from an A to T substitution at nucleotide position 223. This changes the amino acid from a lysine to a stop codon within coding exon 4. This variant is considered to be rare based on population cohorts in the Genome Aggregation Database (gnomAD). This alteration is expected to result in loss of function by premature protein truncation or nonsense-mediated mRNA decay. As such, this alteration is interpreted as a disease-causing mutation.

Myriad Genetics, Inc.
Classification: Pathogenic for Familial cancer of breast. Last evaluated: 2023-09-06. Review status: criteria provided, single submitter. Criteria: Myriad Autosomal Dominant, Autosomal Recessive and X-Linked Classification Criteria (2023). Collection method: clinical testing. Allele origin: unknown.
Comment: This variant is considered pathogenic. This variant creates a termination codon and is predicted to result in premature protein truncation.

Baylor Genetics
Classification: Likely pathogenic for Familial cancer of breast. Last evaluated: 2023-02-10. Review status: criteria provided, single submitter. Criteria: ACMG Guidelines, 2015. Collection method: clinical testing. Allele origin: unknown.

GeneDx
Classification: Pathogenic. Last evaluated: 2022-12-30. Review status: criteria provided, single submitter. Criteria: GeneDx Variant Classification Process June 2021. Collection method: clinical testing. Allele origin: germline. Affected: yes.
Comment: Nonsense variant predicted to result in protein truncation or nonsense mediated decay in a gene for which loss-of-function is a known mechanism of disease; Not observed in large population cohorts (gnomAD)

Department of Pathology and Laboratory Medicine, Sinai Health System
Classification: Pathogenic for Breast-ovarian cancer, familial, susceptibility to, 5. Last evaluated: 2021-05-14. Review status: criteria provided, single submitter. Criteria: ACMG Guidelines, 2015. Collection method: clinical testing. Allele origin: germline. Affected: yes.

Color Diagnostics, LLC DBA Color Health
Classification: Pathogenic for Hereditary cancer-predisposing syndrome. Last evaluated: 2020-01-15. Review status: criteria provided, single submitter. Criteria: ACMG Guidelines, 2015. Collection method: clinical testing. Allele origin: germline.
Comment: This variant changes 1 nucleotide in exon 4 of the PALB2 gene, creating a premature translation stop signal. This variant is expected to result in an absent or non-functional protein product. This variant has not been identified in the general population by the Genome Aggregation Database (gnomAD). Loss of PALB2 function is a known mechanism of disease. Based on the available evidence, this variant is classified as Pathogenic.

Leiden Open Variation Database
Classification: Likely pathogenic. Last evaluated: 2019-05-13. Review status: no assertion criteria provided. Collection method: curation. Allele origin: germline. Affected: yes. Not counted in ClinVar's aggregate classification.
Comment: Curators: Marc Tischkowitz, Arleen D. Auerbach. Submitter to LOVD: Andreas Laner.

Literature cited by the submitters: PubMed 17200668 (cited by Labcorp Genetics (formerly Invitae), Labcorp); PubMed 17200671 (cited by Labcorp Genetics (formerly Invitae), Labcorp); PubMed 17200672 (cited by Labcorp Genetics (formerly Invitae), Labcorp); PubMed 24136930 (cited by Labcorp Genetics (formerly Invitae), Labcorp); PubMed 25099575 (cited by Labcorp Genetics (formerly Invitae), Labcorp).